The following is an entry in ClinVar:

NM_015721.3(GEMIN4):c.2441G>A (p.Gly814Glu)

Gene: GEMIN4 (gem nuclear organelle associated protein 4; minus strand). Cytogenetic location: 17p13.3.
Variant type: single nucleotide variant.
Coding change: c.2441G>A on transcript NM_015721.3 (MANE Select); coding-DNA position 2441, G replaced by A.
Protein change: p.Gly814Glu; replaces glycine 814 with glutamic acid.
Molecular consequence: missense variant.
Genome position (GRCh38, 1-based): chr17:745,602, C>T on the plus strand (G>A on the coding strand, the complement: GEMIN4 is on the minus strand). VCF-style: chr17-745602-C-T. GRCh37 (hg19) VCF-style: chr17-648842-C-T.
Other names: short protein forms G814E.
Identifiers: ClinVar variation 2405040 (VCV002405040.3), dbSNP rs762179903, ClinGen allele CA8262418.
Genomic context (GRCh38, chr17:745,602, plus strand): 5'-GACAGCATCCTCTCCGAGATGCCGCTGGAGACGCAGCAGCACTCCATCCAGGCCAGGAGC[C>T]CCGTGCCAGCCCCGTACCCTGGGTGGGCCTGGGAGGTCCACTCGTCTTCTGAAAGCTTAC-3'
Protein context (NP_056536.2, residues 804-824): QAHPGYGAGT[Gly814Glu]LLAWMECCCV

ClinVar aggregate classification (germline): Uncertain significance. Review status: criteria provided, multiple submitters, no conflicts (2 of 4 stars). 2 submissions from 2 submitters: Uncertain significance (2). Last evaluated 2024-10-16.

Allele frequency attached by ClinVar (database versions not stated): TOPMed 0.00003; gnomAD 0.00004.
gnomAD v4.1: 17 of 1,609,246 alleles (0.0011%); highest among the groups gnomAD compares: Non-Finnish European, 0.0014%; no homozygotes.

Submissions (2):

GeneDx
Classification: Uncertain significance. Last evaluated: 2024-10-16. Review status: criteria provided, single submitter. Criteria: GeneDx Variant Classification Process June 2021. Collection method: clinical testing. Allele origin: germline. Affected: yes.
Comment: In silico analysis supports that this missense variant has a deleterious effect on protein structure/function; Has not been previously published as pathogenic or benign to our knowledge

Ambry Genetics
Classification: Uncertain significance. Last evaluated: 2022-11-17. Review status: criteria provided, single submitter. Criteria: Ambry Variant Classification Scheme 2023. Collection method: clinical testing. Allele origin: germline.